The following is an entry in ClinVar:

NM_022725.4(FANCF):c.349C>A (p.Pro117Thr)

Gene: FANCF (FA complementation group F; minus strand). Cytogenetic location: 11p14.3.
Variant type: single nucleotide variant.
Coding change: c.349C>A on transcript NM_022725.4 (MANE Select); coding-DNA position 349, C replaced by A.
Protein change: p.Pro117Thr; replaces proline 117 with threonine.
Molecular consequence: missense variant.
Genome position (GRCh38, 1-based): chr11:22,625,462, G>T on the plus strand (C>A on the coding strand, the complement: FANCF is on the minus strand). VCF-style: chr11-22625462-G-T. GRCh37 (hg19) VCF-style: chr11-22647008-G-T.
Other names: short protein forms P117T.
Identifiers: ClinVar variation 241438 (VCV000241438.21), dbSNP rs372625322, ClinGen allele CA5924364.

ClinVar aggregate classification (germline): Conflicting classifications of pathogenicity. Review status: criteria provided, conflicting classifications (1 of 4 stars). 7 submissions from 7 submitters: Uncertain significance (1); Likely benign (4). 2 of the submissions do not count toward it. Last evaluated 2026-02-01.

Conditions:
FANCF-related disorder. Also called: FANCF-related condition.
Ovarian cancer. Also called: OVARIAN CANCER, SOMATIC. Identifiers: Orphanet 213500, MedGen C1140680, MONDO:0008170, OMIM 167000.
Fanconi anemia (FA). Also called: Fanconi's anemia. Identifiers: Orphanet 84, MedGen C0015625, MeSH D005199, MONDO:0019391.
Fanconi anemia complementation group F. Also called: FANCF-Related Fanconi Anemia. Identifiers: Orphanet 84, MedGen C3469526, MONDO:0011325, OMIM 603467.

Allele frequency attached by ClinVar (database versions not stated): gnomAD 0.00008 and 0.00027; TOPMed 0.00008; 1000 Genomes Project 30x 0.00203; 1000 Genomes Project 0.00220.
gnomAD v4.1: 206 of 1,614,222 alleles (0.013%); highest among the groups gnomAD compares: East Asian, 0.16%; 1 homozygote.

Submissions (7):

Labcorp Genetics (formerly Invitae), Labcorp
Classification: Likely benign for Fanconi anemia. Last evaluated: 2026-02-01. Review status: criteria provided, single submitter. Criteria: Invitae Variant Classification Sherloc (09022015). Collection method: clinical testing. Allele origin: germline.

ARUP Laboratories, Molecular Genetics and Genomics, ARUP Laboratories
Classification: Likely benign for Fanconi anemia complementation group F. Last evaluated: 2025-03-04. Review status: criteria provided, single submitter. Criteria: ARUP Molecular Germline Variant Investigation Process 2024. Collection method: clinical testing. Allele origin: germline.

Women's Health and Genetics/Laboratory Corporation of America, LabCorp
Classification: Likely benign. Last evaluated: 2025-03-03. Review status: criteria provided, single submitter. Criteria: LabCorp Variant Classification Summary - May 2015. Collection method: clinical testing. Allele origin: germline.
Comment: Variant summary: FANCF c.349C>A (p.Pro117Thr) results in a non-conservative amino acid change in the encoded protein sequence. Three of five in-silico tools predict a damaging effect of the variant on protein function. The variant allele was found at a frequency of 0.00013 in 1607248 control chromosomes, predominantly at a frequency of 0.0016 within the East Asian subpopulation in the gnomAD database, including 1 homozygote. The observed variant frequency within East Asian control individuals in the gnomAD database is approximately 4.5-fold of the estimated maximal expected allele frequency for a pathogenic variant in FANCF causing Fanconi Anemia phenotype (0.0004). However, in certain East Asian subpopulations, e.g. in Southeast Asians the variant was found with much higher allele frequency (i.e. 26 / 692 alleles, AF: 0.038; in the GenomeAsia 100K database), further supporting that the variant is likely a benign polymorphism. To our knowledge, no occurrence of c.349C>A in individuals affected with Fanconi Anemia has been reported. At least one publication reported experimental evidence evaluating an impact on protein function, and demonstrated reduced function (Pouliot_2019), however these results do not allow convincing conclusions about the variant effect. The following publication have been ascertained in the context of this evaluation (PMID: 31721781). ClinVar contains an entry for this variant (Variation ID: 241438). Based on the evidence outlined above, the variant was classified as likely benign.

KCCC/NGS Laboratory, Kuwait Cancer Control Center
Classification: Likely benign for Fanconi anemia complementation group F. Last evaluated: 2023-07-07. Review status: criteria provided, single submitter. Criteria: ACMG Guidelines, 2015. Collection method: clinical testing. Allele origin: germline. Affected: yes.

Genetic Services Laboratory, University of Chicago
Classification: Uncertain significance. Last evaluated: 2019-10-24. Review status: criteria provided, single submitter. Criteria: ACMG Guidelines, 2015. Collection method: clinical testing. Allele origin: germline. Affected: no.

PreventionGenetics, part of Exact Sciences
Classification: Likely benign for FANCF-related condition. Last evaluated: 2023-12-26. Review status: no assertion criteria provided. Collection method: clinical testing. Allele origin: germline. Not counted in ClinVar's aggregate classification.
Comment: This variant is classified as likely benign based on ACMG/AMP sequence variant interpretation guidelines (Richards et al. 2015 PMID: 25741868, with internal and published modifications).

Laboratory of Molecular Epidemiology of Birth Defects, West China Second University Hospital, Sichuan University
Classification: Likely pathogenic for Ovarian cancer. Last evaluated: 2022-01-01. Review status: flagged submission. Criteria: ACMG Guidelines, 2015. Collection method: clinical testing. Allele origin: germline. Affected: yes. Not counted in ClinVar's aggregate classification.
ClinVar note: Reason: Outlier claim with insufficient supporting evidence

Literature cited by the submitters: PubMed 31721781 (cited by Women's Health and Genetics/Laboratory Corporation of America, LabCorp).